The following is an entry in ClinVar:

NM_000051.4(ATM):c.8851-10C>T

Genes: ATM (ATM serine/threonine kinase; plus strand), C11orf65 (chromosome 11 open reading frame 65; minus strand). Cytogenetic location: 11q22.3.
Variant type: single nucleotide variant.
Coding change: c.8851-10C>T on transcript NM_000051.4 (MANE Select); 10 bases into the intron before coding-DNA position 8851, C replaced by T.
Molecular consequence: intron variant.
Genome position (GRCh38, 1-based): chr11:108,365,072, C>T. VCF-style: chr11-108365072-C-T. GRCh37 (hg19) VCF-style: chr11-108235799-C-T.
Other names: c.8851-10C>T (NM_001351834.2); c.640+20848G>A (NM_001330368.2); c.694+20848G>A (NM_001351110.2).
Identifiers: ClinVar variation 383566 (VCV000383566.18), dbSNP rs1057521676, ClinGen allele CA16606226.

ClinVar aggregate classification (germline): Conflicting classifications of pathogenicity. Review status: criteria provided, conflicting classifications (1 of 4 stars). 5 submissions from 5 submitters: Uncertain significance (1); Likely benign (4). Last evaluated 2025-11-09.

Conditions:
Breast and/or ovarian cancer. Identifiers: MedGen CN221562.
Familial cancer of breast. Also called: hereditary breast carcinoma; Hereditary breast cancer; BREAST CANCER, FAMILIAL. Identifiers: Orphanet 227535, MedGen C0346153, MONDO:0016419, OMIM 114480. Disease mechanism: loss of function.
Ataxia-telangiectasia syndrome (AT). Also called: Ataxia-telangiectasia, complementation group D; Ataxia-telangiectasia, complementation group E; LOUIS-BAR SYNDROME; AT, COMPLEMENTATION GROUP C; ATAXIA-TELANGIECTASIA, COMPLEMENTATION GROUP A; ATAXIA-TELANGIECTASIA, FRESNO VARIANT. Identifiers: Orphanet 100, MedGen C0004135, MONDO:0008840, OMIM 208900.
Hereditary cancer-predisposing syndrome. Also called: Neoplastic Syndromes, Hereditary; Hereditary neoplastic syndrome; Hereditary Cancer Syndrome; Tumor predisposition. Identifiers: Orphanet 140162, MedGen C0027672, MeSH D009386, MONDO:0015356.

Allele frequency attached by ClinVar (database versions not stated): gnomAD exomes below 0.00001.

Submissions (5):

Labcorp Genetics (formerly Invitae), Labcorp
Classification: Likely benign for Ataxia-telangiectasia syndrome. Last evaluated: 2025-11-09. Review status: criteria provided, single submitter. Criteria: Invitae Variant Classification Sherloc (09022015). Collection method: clinical testing. Allele origin: germline.

Myriad Genetics, Inc.
Classification: Likely benign for Familial cancer of breast. Last evaluated: 2024-06-21. Review status: criteria provided, single submitter. Criteria: Myriad Autosomal Dominant, Autosomal Recessive and X-Linked Classification Criteria (2023). Collection method: clinical testing. Allele origin: unknown.
Comment: This variant is considered likely benign. This variant is intronic and is not expected to impact mRNA splicing.

CHEO Genetics Diagnostic Laboratory, Children's Hospital of Eastern Ontario
Classification: Uncertain significance for Breast and/or ovarian cancer. Last evaluated: 2022-09-29. Review status: criteria provided, single submitter. Criteria: ACMG Guidelines, 2015. Collection method: clinical testing. Allele origin: germline.

GeneDx
Classification: Likely benign. Last evaluated: 2020-02-27. Review status: criteria provided, single submitter. Criteria: GeneDx Variant Classification Process June 2021. Collection method: clinical testing. Allele origin: germline. Affected: yes.

Color Diagnostics, LLC DBA Color Health
Classification: Likely benign for Hereditary cancer-predisposing syndrome. Last evaluated: 2018-11-29. Review status: criteria provided, single submitter. Criteria: ACMG Guidelines, 2015. Collection method: clinical testing. Allele origin: germline.